The following is an entry in ClinVar:

NM_152703.5(SAMD9L):c.972G>T (p.Gln324His)

Gene: SAMD9L (sterile alpha motif domain containing 9 like; minus strand). Cytogenetic location: 7q21.2.
Variant type: single nucleotide variant.
Coding change: c.972G>T on transcript NM_152703.5 (MANE Select); coding-DNA position 972, G replaced by T.
Protein change: p.Gln324His; replaces glutamine 324 with histidine.
Molecular consequence: missense variant.
Genome position (GRCh38, 1-based): chr7:93,135,000, C>A on the plus strand (G>T on the coding strand, the complement: SAMD9L is on the minus strand). VCF-style: chr7-93135000-C-A. GRCh37 (hg19) VCF-style: chr7-92764313-C-A.
Other names: c.972G>T (NM_152703.2); c.972G>T, p.Gln324His (NM_001303496.3, NM_001303497.3, NM_001303498.3 and 5 more transcripts); short protein forms Q324H.
Identifiers: ClinVar variation 3372630 (VCV003372630.2).

ClinVar aggregate classification (germline): Uncertain significance. Review status: criteria provided, multiple submitters, no conflicts (2 of 4 stars). 2 submissions from 2 submitters: Uncertain significance (2). Last evaluated 2025-10-16.

Conditions:
Inborn genetic diseases. Identifiers: MedGen C0950123, MeSH D030342.

Submissions (2):

Ambry Genetics
Classification: Uncertain significance for Inborn genetic diseases. Last evaluated: 2025-10-16. Review status: criteria provided, single submitter. Criteria: Ambry Variant Classification Scheme 2023. Collection method: clinical testing. Allele origin: germline.
Comment: The p.Q324H variant (also known as c.972G>T), located in coding exon 1 of the SAMD9L gene, results from a G to T substitution at nucleotide position 972. The glutamine at codon 324 is replaced by histidine, an amino acid with highly similar properties. This amino acid position is conserved. In addition, this alteration is predicted to be tolerated by in silico analysis. Based on the available evidence, the clinical significance of this variant remains unclear.

GeneDx
Classification: Uncertain significance. Last evaluated: 2024-04-18. Review status: criteria provided, single submitter. Criteria: GeneDx Variant Classification Process June 2021. Collection method: clinical testing. Allele origin: germline. Affected: yes.
Comment: Not observed at significant frequency in large population cohorts (gnomAD); In silico analysis indicates that this missense variant does not alter protein structure/function; Has not been previously published as pathogenic or benign to our knowledge; This variant is associated with the following publications: (PMID: 28545555)